The following is an entry in ClinVar:

NM_003742.4(ABCB11):c.3233T>C (p.Ile1078Thr)

Gene: ABCB11 (ATP binding cassette subfamily B member 11; minus strand). Cytogenetic location: 2q31.1.
Variant type: single nucleotide variant.
Coding change: c.3233T>C on transcript NM_003742.4 (MANE Select); coding-DNA position 3233, T replaced by C.
Protein change: p.Ile1078Thr; replaces isoleucine 1078 with threonine.
Molecular consequence: missense variant.
Genome position (GRCh38, 1-based): chr2:168,930,843, A>G on the plus strand (T>C on the coding strand, the complement: ABCB11 is on the minus strand). VCF-style: chr2-168930843-A-G. GRCh37 (hg19) VCF-style: chr2-169787353-A-G.
Other names: short protein forms I1078T.
Identifiers: ClinVar variation 3765359 (VCV003765359.3).

ClinVar aggregate classification (germline): Uncertain significance. Review status: criteria provided, multiple submitters, no conflicts (2 of 4 stars). 3 submissions from 3 submitters: Uncertain significance (3). Last evaluated 2026-04-14.

Conditions:
Familial intrahepatic cholestasis. Identifiers: Orphanet 284385, MedGen CN296401, MONDO:0017290.
Progressive familial intrahepatic cholestasis type 2. Identifiers: Orphanet 79304, MedGen C3489789, MONDO:0011156, OMIM 601847.

gnomAD v4.1: 4 of 1,603,264 alleles (0.00025%); highest among the groups gnomAD compares: South Asian, 0.0022%; no homozygotes.

Submissions (3):

Genomenon, Inc
Classification: Uncertain significance for Familial intrahepatic cholestasis. Last evaluated: 2026-04-14. Review status: criteria provided, single submitter. Criteria: Genomenon Sequence Variant Interpretation Standards - Updated. Collection method: curation. Allele origin: germline. Affected: yes.
Comment: ABCB11 p.Ile1078Thr (c.3233T>C) is a missense variant that changes the amino acid at residue 1078 from Isoleucine to Threonine. This variant has been observed in at least one proband with an ABCB11-related disorder (PMID:26382629). It is absent or not present at a significant frequency in gnomAD. In silico models predict that this variant is possibly or probably damaging. In conclusion, we classify ABCB11 p.Ile1078Thr (c.3233T>C) as a variant of uncertain significance.

Center for Genomic Medicine, Rigshospitalet, Copenhagen University Hospital
Classification: Uncertain significance. Last evaluated: 2025-03-04. Review status: criteria provided, single submitter. Criteria: ACMG Guidelines, 2015. Collection method: clinical testing. Allele origin: germline.

Broad Center for Mendelian Genomics, Broad Institute of MIT and Harvard
Classification: Uncertain significance for Progressive familial intrahepatic cholestasis type 2. Last evaluated: 2025-01-23. Review status: criteria provided, single submitter. Criteria: ACMG Guidelines, 2015. Collection method: curation. Allele origin: germline. Inheritance: Autosomal recessive inheritance.
Comment: The p.Ile1078Thr variant in ABCB11 has reported in at least one individual with BSEP deficiency (PMID: 26382629, 36926131), and has been identified in 0.002% (2/89020) of South Asian chromosomes by the Genome Aggregation Database (gnomAD; dbSNP rs373201488). Although this variant has been seen in the general population in a heterozygous state, its frequency is low enough to be consistent with a recessive carrier frequency. Computational prediction tools and conservation analyses suggest that this variant may impact the protein, though this information is not predictive enough to determine pathogenicity. In summary, the clinical significance of the p.Ile1078Thr variant is uncertain. ACMG/AMP Criteria applied: PP3_moderate, PM2_supporting (Richards 2015).

Literature cited by the submitters: PubMed 26382629 (cited by Genomenon, Inc); PubMed 36926131 (cited by Center for Genomic Medicine, Rigshospitalet, Copenhagen University Hospital).